The following is an entry in ClinVar:

NM_182914.3(SYNE2):c.4196G>A (p.Cys1399Tyr)

Gene: SYNE2 (spectrin repeat containing nuclear envelope protein 2; plus strand). Cytogenetic location: 14q23.2.
Variant type: single nucleotide variant.
Coding change: c.4196G>A on transcript NM_182914.3 (MANE Select); coding-DNA position 4196, G replaced by A.
Protein change: p.Cys1399Tyr; replaces cysteine 1399 with tyrosine.
Molecular consequence: missense variant.
Genome position (GRCh38, 1-based): chr14:64,003,129, G>A. VCF-style: chr14-64003129-G-A. GRCh37 (hg19) VCF-style: chr14-64469847-G-A.
Other names: c.4196G>A, p.Cys1399Tyr (NM_015180.6); short protein forms C1399Y.
Identifiers: ClinVar variation 2644284 (VCV002644284.27), dbSNP rs753392379, ClinGen allele CA7220155.
Genomic context (GRCh38, chr14:64,003,129, plus strand): 5'-AATGTTTGAAGATGCTCGATATGAGCTTTAAAGATGCTGAACGGGGTGATGACACCTCCT[G>A]TGAAAACCTGCTTGATGCTTTTTCAATAAAGTTATCTGAGACACATGGCTATGGGGTACA-3'
Protein context (NP_878918.2, residues 1389-1409): KDAERGDDTS[Cys1399Tyr]ENLLDAFSIK

ClinVar aggregate classification (germline): Conflicting classifications of pathogenicity. Review status: criteria provided, conflicting classifications (1 of 4 stars). 2 submissions from 2 submitters: Uncertain significance (1); Likely benign (1). Last evaluated 2025-07-22.

Conditions:
Emery-Dreifuss muscular dystrophy 5, autosomal dominant (EDMD5). Also called: EMERY-DREIFUSS MUSCULAR DYSTROPHY 5. Identifiers: Orphanet 261, MedGen C2751805, MONDO:0013072, OMIM 612999.

Allele frequency attached by ClinVar (database versions not stated): gnomAD 0.00001; TOPMed 0.00001; ExAC 0.00002; gnomAD exomes 0.00002.
gnomAD v4.1: 29 of 1,614,044 alleles (0.0018%); highest among the groups gnomAD compares: Middle Eastern, 0.033%; 1 homozygote.

Submissions (2):

Labcorp Genetics (formerly Invitae), Labcorp
Classification: Uncertain significance for Emery-Dreifuss muscular dystrophy 5, autosomal dominant. Last evaluated: 2025-07-22. Review status: criteria provided, single submitter. Criteria: Invitae Variant Classification Sherloc (09022015). Collection method: clinical testing. Allele origin: germline.
Comment: This sequence change replaces cysteine, which is neutral and slightly polar, with tyrosine, which is neutral and polar, at codon 1399 of the SYNE2 protein (p.Cys1399Tyr). This variant is present in population databases (rs753392379, gnomAD 0.004%). This variant has not been reported in the literature in individuals affected with SYNE2-related conditions. ClinVar contains an entry for this variant (Variation ID: 2644284). An algorithm developed to predict the effect of missense changes on protein structure and function (PolyPhen-2) suggests that this variant is likely to be disruptive. In summary, the available evidence is currently insufficient to determine the role of this variant in disease. Therefore, it has been classified as a Variant of Uncertain Significance.

CeGaT Center for Human Genetics Tuebingen
Classification: Likely benign. Last evaluated: 2023-03-01. Review status: criteria provided, single submitter. Criteria: CeGaT Center For Human Genetics Tuebingen Variant Classification Criteria Version 2. Collection method: clinical testing. Allele origin: germline. Affected: yes. Observed: 1 variant allele.
Comment: SYNE2: BP4